The following is an entry in ClinVar:

ClinVar aggregate classification (germline): Uncertain significance. Review status: criteria provided, multiple submitters, no conflicts (2 of 4 stars). 3 submissions from 3 submitters: Uncertain significance (3). Last evaluated 2026-01-06.

Conditions:
Nephronophthisis 12 (NPHP12). Identifiers: Orphanet 655, MedGen C3151186, MONDO:0013442, OMIM 613820.
Asphyxiating thoracic dystrophy 4 (SRTD4). Also called: SHORT-RIB THORACIC DYSPLASIA 4 WITH OR WITHOUT POLYDACTYLY; SHORT-RIB THORACIC DYSPLASIA 4. Identifiers: Orphanet 474, MedGen C3151185, MONDO:0013441, OMIM 613819.
Nephronophthisis. Also called: Juvenile Nephronophthisis. Identifiers: Orphanet 655, MedGen C0687120, MONDO:0019005, HP:0000090.
Jeune thoracic dystrophy. Also called: Jeune syndrome; Infantile thoracic dystrophy; Thoracic pelvic phalangeal dystrophy; Jeune's syndrome; Chondroectodermal dysplasia-like syndrome; Short-rib thoracic dysplasia. Identifiers: Orphanet 474, MedGen C0265275, MONDO:0018770.
TTC21B-related disorder. Also called: TTC21B-related disorders; TTC21B-related condition.

Allele frequency attached by ClinVar (database versions not stated): TOPMed 0.00002; gnomAD 0.00003; 1000 Genomes Project 30x 0.00016; 1000 Genomes Project 0.00020.
gnomAD v4.1: 5 of 1,612,300 alleles (0.00031%); highest among the groups gnomAD compares: African/African-American, 0.0067%; no homozygotes.

Submissions (3):

PreventionGenetics, part of Exact Sciences
Classification: Uncertain significance for TTC21B-related condition. Last evaluated: 2026-01-06. Review status: criteria provided, single submitter. Criteria: ACMG Guidelines, 2015. Collection method: clinical testing. Allele origin: germline.
Comment: The TTC21B c.2966T>C variant is predicted to result in the amino acid substitution p.Leu989Ser. To our knowledge, this variant has not been reported in the literature. This variant is reported in 0.011% of alleles in individuals of African descent in gnomAD. At this time, the clinical significance of this variant is uncertain due to the absence of conclusive functional and genetic evidence.

Labcorp Genetics (formerly Invitae), Labcorp
Classification: Uncertain significance for Jeune thoracic dystrophy; Nephronophthisis. Last evaluated: 2022-08-31. Review status: criteria provided, single submitter. Criteria: Invitae Variant Classification Sherloc (09022015). Collection method: clinical testing. Allele origin: germline.
Comment: Algorithms developed to predict the effect of sequence changes on RNA splicing suggest that this variant may disrupt the consensus splice site. In summary, the available evidence is currently insufficient to determine the role of this variant in disease. Therefore, it has been classified as a Variant of Uncertain Significance. Algorithms developed to predict the effect of missense changes on protein structure and function are either unavailable or do not agree on the potential impact of this missense change (SIFT: "Deleterious"; PolyPhen-2: "Possibly Damaging"; Align-GVGD: "Class C0"). ClinVar contains an entry for this variant (Variation ID: 1354022). This variant has not been reported in the literature in individuals affected with TTC21B-related conditions. This variant is present in population databases (rs552766355, gnomAD 0.01%). This sequence change replaces leucine, which is neutral and non-polar, with serine, which is neutral and polar, at codon 989 of the TTC21B protein (p.Leu989Ser).

Fulgent Genetics
Classification: Uncertain significance for Asphyxiating thoracic dystrophy 4; Nephronophthisis 12. Last evaluated: 2021-12-15. Review status: criteria provided, single submitter. Criteria: ACMG Guidelines, 2015. Collection method: clinical testing. Allele origin: unknown.

NM_024753.5(TTC21B):c.2966T>C (p.Leu989Ser)

Gene: TTC21B (tetratricopeptide repeat domain 21B; minus strand). Cytogenetic location: 2q24.3.
Variant type: single nucleotide variant.
Coding change: c.2966T>C on transcript NM_024753.5 (MANE Select); coding-DNA position 2966, T replaced by C.
Protein change: p.Leu989Ser; replaces leucine 989 with serine.
Molecular consequence: missense variant.
Genome position (GRCh38, 1-based): chr2:165,890,973, A>G on the plus strand (T>C on the coding strand, the complement: TTC21B is on the minus strand). VCF-style: chr2-165890973-A-G. GRCh37 (hg19) VCF-style: chr2-166747483-A-G.
Other names: c.2966T>C (NM_024753.4); short protein forms L989S.
Identifiers: ClinVar variation 1354022 (VCV001354022.8), dbSNP rs552766355, ClinGen allele CA59774298.